The following is an entry in ClinVar:

NM_001379110.1(SLC9A6):c.1038G>T (p.Thr346=)

Gene: SLC9A6 (solute carrier family 9 member A6; plus strand). Cytogenetic location: Xq26.3.
Variant type: single nucleotide variant.
Coding change: c.1038G>T on transcript NM_001379110.1 (MANE Select); coding-DNA position 1038, G replaced by T.
Protein change: p.Thr346=; no amino-acid change (threonine 346 retained).
Molecular consequence: synonymous variant.
Genome position (GRCh38, 1-based): chrX:136,013,395, G>T. VCF-style: chrX-136013395-G-T. GRCh37 (hg19) VCF-style: chrX-135095554-G-T.
Other names: c.1194G>T, p.Thr398= (NM_001042537.2); c.1038G>T, p.Thr346= (NM_001177651.2); c.942G>T, p.Thr314= (NM_001330652.2); c.1098G>T, p.Thr366= (NM_006359.3).
Identifiers: ClinVar variation 669532 (VCV000669532.10), dbSNP rs782783023, ClinGen allele CA336248388.

ClinVar aggregate classification (germline): Likely benign. Review status: criteria provided, multiple submitters, no conflicts (2 of 4 stars). 2 submissions from 2 submitters: Likely benign (2). Last evaluated 2025-03-03.

Conditions:
Christianson syndrome (MRXSCH). Also called: SLC9A6-Related Syndromic Mental Retardation; X-linked mental retardation, syndromic, Christianson type; INTELLECTUAL DEVELOPMENTAL DISORDER, X-LINKED, SYNDROMIC, CHRISTIANSON TYPE. Identifiers: Orphanet 85278, MedGen C2678194, MONDO:0010278, OMIM 300243.

Allele frequency attached by ClinVar (database versions not stated): gnomAD 0.00001; TOPMed 0.00001.
gnomAD v4.1: 36 of 1,204,945 alleles (0.003%); highest among the groups gnomAD compares: Non-Finnish European, 0.0038%; no homozygotes.

Submissions (2):

Labcorp Genetics (formerly Invitae), Labcorp
Classification: Likely benign for Christianson syndrome. Last evaluated: 2025-03-03. Review status: criteria provided, single submitter. Criteria: Invitae Variant Classification Sherloc (09022015). Collection method: clinical testing. Allele origin: germline.

GeneDx
Classification: Likely benign. Last evaluated: 2018-05-15. Review status: criteria provided, single submitter. Criteria: GeneDx Variant Classification (06012015). Collection method: clinical testing. Allele origin: germline. Affected: yes.
Comment: This variant is considered likely benign or benign based on one or more of the following criteria: it is a conservative change, it occurs at a poorly conserved position in the protein, it is predicted to be benign by multiple in silico algorithms, and/or has population frequency not consistent with disease.